The following is an entry in ClinVar:

ClinVar aggregate classification (germline): Pathogenic/Likely pathogenic. Review status: criteria provided, multiple submitters, no conflicts (2 of 4 stars). 3 submissions from 3 submitters: Pathogenic (1); Likely pathogenic (2). Last evaluated 2024-02-22.

Conditions:
Classic homocystinuria. Also called: Homocystinuria due to Cystathionine Beta-Synthase Deficiency; Homocystinuria due to CBS deficiency; Cystathionine beta-synthase deficiency; CBS deficiency; HOMOCYSTINURIA WITH OR WITHOUT RESPONSE TO PYRIDOXINE. Identifiers: Orphanet 394, MedGen C0751202, MONDO:0009352, OMIM 236200.
HYPERHOMOCYSTEINEMIA, THROMBOTIC, CBS-RELATED. Identifiers: MedGen C3150344, OMIM 236200.
CBS-related disorder. Also called: CBS-related condition.

Submissions (3):

Labcorp Genetics (formerly Invitae), Labcorp
Classification: Pathogenic for HYPERHOMOCYSTEINEMIA, THROMBOTIC, CBS-RELATED. Last evaluated: 2024-02-22. Review status: criteria provided, single submitter. Criteria: Invitae Variant Classification Sherloc (09022015). Collection method: clinical testing. Allele origin: germline.
Comment: This sequence change creates a premature translational stop signal (p.Glu436*) in the CBS gene. It is expected to result in an absent or disrupted protein product. Loss-of-function variants in CBS are known to be pathogenic (PMID: 10338090, 12124992). This variant is not present in population databases (gnomAD no frequency). This variant has not been reported in the literature in individuals affected with CBS-related conditions. ClinVar contains an entry for this variant (Variation ID: 2630919). For these reasons, this variant has been classified as Pathogenic.

Baylor Genetics
Classification: Likely pathogenic for Classic homocystinuria. Last evaluated: 2023-11-22. Review status: criteria provided, single submitter. Criteria: ACMG Guidelines, 2015. Collection method: clinical testing. Allele origin: unknown.

PreventionGenetics, part of Exact Sciences
Classification: Likely pathogenic for CBS-related condition. Last evaluated: 2023-09-15. Review status: criteria provided, single submitter. Criteria: ACMG Guidelines, 2015. Collection method: clinical testing. Allele origin: germline.
Comment: The CBS c.1306G>T variant is predicted to result in premature protein termination (p.Glu436*). To our knowledge, this variant has not been reported in the literature or in a large population database, indicating this variant is rare. Nonsense variants in CBS are expected to be pathogenic. This variant is interpreted as likely pathogenic.

Literature cited by the submitters: PubMed 10338090 (cited by Labcorp Genetics (formerly Invitae), Labcorp); PubMed 12124992 (cited by Labcorp Genetics (formerly Invitae), Labcorp).

NM_000071.3(CBS):c.1306G>T (p.Glu436Ter)

Gene: CBS (cystathionine beta-synthase; minus strand). Cytogenetic location: 21q22.3.
Variant type: single nucleotide variant.
Coding change: c.1306G>T on transcript NM_000071.3 (MANE Select); coding-DNA position 1306, G replaced by T.
Protein change: p.Glu436Ter; replaces glutamic acid 436 with a stop codon.
Molecular consequence: nonsense.
Genome position (GRCh38, 1-based): chr21:43,058,886, C>A on the plus strand (G>T on the coding strand, the complement: CBS is on the minus strand). VCF-style: chr21-43058886-C-A. GRCh37 (hg19) VCF-style: chr21-44478996-C-A.
Other names: c.1306G>T, p.Glu436Ter (NM_001178008.3, NM_001178009.3, NM_001320298.2); c.991G>T, p.Glu331Ter (NM_001321072.1); short protein forms E331*, E436*.
Identifiers: ClinVar variation 2630919 (VCV002630919.4), dbSNP rs1354271840, ClinGen allele CA410397097.